The following is an entry in ClinVar:

ClinVar aggregate classification (germline): Uncertain significance (1 of 4 stars; one submission).

Conditions:
Microcephaly, short stature, and impaired glucose metabolism 1 (MSSGM1). Identifiers: Orphanet 391408, MedGen C4014997, MONDO:0000208, OMIM 616033.

Submission:

Institute of Human Genetics, University of Leipzig Medical Center
Classification: Uncertain significance for Microcephaly, short stature, and impaired glucose metabolism 1. Last evaluated: 2020-03-01. Review status: criteria provided, single submitter. Criteria: ACMG Guidelines, 2015. Collection method: clinical testing. Allele origin: biparental. Inheritance: Autosomal recessive inheritance. Affected: yes.
Comment: Review of the variants reported in Reuter et al., 2017, PMID: 28097321: PM2,PM3_Supporting

NM_001134665.3(TRMT10A):c.348G>C (p.Lys116Asn)

Gene: TRMT10A (tRNA methyltransferase 10A; minus strand). Cytogenetic location: 4q23.
Variant type: single nucleotide variant.
Coding change: c.348G>C on transcript NM_001134665.3 (MANE Select); coding-DNA position 348, G replaced by C.
Protein change: p.Lys116Asn; replaces lysine 116 with asparagine.
Molecular consequence: missense variant.
Genome position (GRCh38, 1-based): chr4:99,558,049, C>G on the plus strand (G>C on the coding strand, the complement: TRMT10A is on the minus strand). VCF-style: chr4-99558049-C-G. GRCh37 (hg19) VCF-style: chr4-100479206-C-G.
Other names: c.348G>C, p.Lys116Asn (NM_001134666.3, NM_001375880.1, NM_001375881.1 and 2 more transcripts); short protein forms K116N.
Identifiers: ClinVar variation 984716 (VCV000984716.1), dbSNP rs1724234465, ClinGen allele CA357511797.
Genomic context (GRCh38, chr4:99,558,049, plus strand): 5'-AAACAAAAATGATTCGACCTAATTCACATACAAGATTTTTCTGACAATGATTCATGATAC[C>G]TTTAATACCATCAAGTGATCAAAACTACAGTCAATAATAAGGCGAAGGGTGCTATGAACA-3'
Protein context (NP_001128137.1, residues 106-126): DCSFDHLMVL[Lys116Asn]DIKKLHKQIQ